The following is an entry in ClinVar:

ClinVar aggregate classification (germline): Pathogenic/Likely pathogenic. Review status: criteria provided, multiple submitters, no conflicts (2 of 4 stars). 2 submissions from 2 submitters: Pathogenic (1); Likely pathogenic (1). Last evaluated 2026-08-21.

Conditions:
Endometrial carcinoma. Also called: Endometrial carcinoma, somatic. Identifiers: MedGen C0476089, MONDO:0002447, OMIM 608089, HP:0012114.
Hereditary cancer-predisposing syndrome. Also called: Neoplastic Syndromes, Hereditary; Tumor predisposition; Hereditary Cancer Syndrome; Hereditary neoplastic syndrome. Identifiers: Orphanet 140162, MedGen C0027672, MeSH D009386, MONDO:0015356.

Submissions (2):

Ambry Genetics
Classification: Pathogenic for Hereditary cancer-predisposing syndrome. Last evaluated: 2026-08-21. Review status: criteria provided, single submitter. Criteria: Ambry Variant Classification Scheme 2023. Collection method: clinical testing. Allele origin: germline.
Comment: The p.E230* pathogenic mutation (also known as c.688G>T), located in coding exon 4 of the MSH6 gene, results from a G to T substitution at nucleotide position 688. This changes the amino acid from a glutamic acid to a stop codon within coding exon 4. This variant is considered to be rare based on population cohorts in the Genome Aggregation Database (gnomAD). This alteration is expected to result in loss of function by premature protein truncation or nonsense-mediated mRNA decay. As such, this alteration is interpreted as a disease-causing mutation.

Baylor Genetics
Classification: Likely pathogenic for Endometrial carcinoma. Last evaluated: 2024-02-27. Review status: criteria provided, single submitter. Criteria: ACMG Guidelines, 2015. Collection method: clinical testing. Allele origin: unknown.

NM_000179.3(MSH6):c.688G>T (p.Glu230Ter)

Gene: MSH6 (mutS homolog 6; plus strand). Cytogenetic location: 2p16.3.
Variant type: single nucleotide variant.
Coding change: c.688G>T on transcript NM_000179.3 (MANE Select); coding-DNA position 688, G replaced by T.
Protein change: p.Glu230Ter; replaces glutamic acid 230 with a stop codon.
Molecular consequence: nonsense. On other transcripts: 5 prime UTR variant (9), non-coding transcript variant (4), intron variant (1).
Genome position (GRCh38, 1-based): chr2:47,798,671, G>T. VCF-style: chr2-47798671-G-T. GRCh37 (hg19) VCF-style: chr2-48025810-G-T.
Other names: c.298G>T, p.Glu100Ter (NM_001281492.2); c.-219G>T (NM_001281493.2, NM_001281494.2, NM_001406811.1 and 6 more transcripts); c.784G>T, p.Glu262Ter (NM_001406795.1, NM_001406802.1); c.688G>T, p.Glu230Ter (NM_001406796.1, NM_001406798.1, NM_001406800.1 and 4 more transcripts); c.391G>T, p.Glu131Ter (NM_001406797.1, NM_001406801.1, NM_001406805.1 and 10 more transcripts); c.163G>T, p.Glu55Ter (NM_001406799.1, NM_001406806.1, NM_001406807.1); c.610G>T, p.Glu204Ter (NM_001406804.1); c.694G>T, p.Glu232Ter (NM_001406813.1); and 2 more; short protein forms E100*, E131*, E174*, E204*, E230*, E232*, E262*, E55*.
Identifiers: ClinVar variation 3239789 (VCV003239789.2), dbSNP rs2104291160.